The following is an entry in ClinVar:

ClinVar aggregate classification (germline): Likely benign (1 of 4 stars; one submission).

Allele frequency attached by ClinVar (database versions not stated): 1000 Genomes Project 0.01219; gnomAD 0.01271 and 0.01348; 1000 Genomes Project 30x 0.01457; TOPMed 0.01480.
gnomAD v4.1: 1,951 of 429,570 alleles (0.45%); highest among the groups gnomAD compares: African/African-American, 4.4%; 32 homozygotes.

Submission:

GeneDx
Classification: Likely benign. Last evaluated: 2018-06-19. Review status: criteria provided, single submitter. Criteria: GeneDx Variant Classification (06012015). Collection method: clinical testing. Allele origin: germline. Affected: yes.
Comment: This variant is considered likely benign or benign based on one or more of the following criteria: it is a conservative change, it occurs at a poorly conserved position in the protein, it is predicted to be benign by multiple in silico algorithms, and/or has population frequency not consistent with disease.

NM_005765.3(ATP6AP2):c.534+191C>A

Gene: ATP6AP2 (ATPase H+ transporting accessory protein 2; plus strand). Cytogenetic location: Xp11.4.
Variant type: single nucleotide variant.
Coding change: c.534+191C>A on transcript NM_005765.3 (MANE Select); 191 bases into the intron after coding-DNA position 534, C replaced by A.
Molecular consequence: intron variant.
Genome position (GRCh38, 1-based): chrX:40,597,855, C>A. VCF-style: chrX-40597855-C-A. GRCh37 (hg19) VCF-style: chrX-40457107-C-A.
Identifiers: ClinVar variation 677655 (VCV000677655.1), dbSNP rs141736428, ClinGen allele CA328988718.